The following is an entry in ClinVar:

NM_004082.5(DCTN1):c.2185-3C>T

Gene: DCTN1 (dynactin subunit 1; minus strand). Cytogenetic location: 2p13.1.
Variant type: single nucleotide variant.
Coding change: c.2185-3C>T on transcript NM_004082.5 (MANE Select); 3 bases into the intron before coding-DNA position 2185, C replaced by T.
Molecular consequence: intron variant.
Genome position (GRCh38, 1-based): chr2:74,367,423, G>A on the plus strand (C>T on the coding strand, the complement: DCTN1 is on the minus strand). VCF-style: chr2-74367423-G-A. GRCh37 (hg19) VCF-style: chr2-74594550-G-A.
Other names: c.2074-3C>T (NM_001190836.2); c.2116-3C>T (NM_001378992.1); c.2134-3C>T (NM_001378991.1); c.2125-3C>T (NM_001135040.3); c.2164-3C>T (NM_001190837.2); c.1783-3C>T (NM_001135041.3, NM_023019.4).
Identifiers: ClinVar variation 1985274 (VCV001985274.5), dbSNP rs771475443, ClinGen allele CA50475244.

ClinVar aggregate classification (germline): Uncertain significance. Review status: criteria provided, multiple submitters, no conflicts (2 of 4 stars). 2 submissions from 2 submitters: Uncertain significance (2). Last evaluated 2025-11-11.

Conditions:
Neuronopathy, distal hereditary motor, type 7B. Also called: HMN VIIB; LOWER MOTOR NEURON DISEASE, DYNACTIN TYPE; Distal Hereditary Motor Neuronopathy Type 7B (dHMN7B); NEURONOPATHY, DISTAL HEREDITARY MOTOR, AUTOSOMAL DOMINANT 14; NEURONOPATHY, DISTAL HEREDITARY MOTOR, HARDING TYPE VIIB; NEUROPATHY, DISTAL HEREDITARY MOTOR, HARDING TYPE VIIB. Identifiers: Orphanet 139589, MedGen C1843315, MONDO:0011879, OMIM 607641.
Perry syndrome. Also called: PARKINSONISM WITH ALVEOLAR HYPOVENTILATION AND MENTAL DEPRESSION. Identifiers: Orphanet 178509, MedGen C1868594, MONDO:0008201, OMIM 168605.
Amyotrophic lateral sclerosis type 1 (ALS1). Also called: AMYOTROPHIC LATERAL SCLEROSIS 1, FAMILIAL. Identifiers: Orphanet 803, MedGen C1862939, MONDO:0007103, OMIM 105400.

Allele frequency attached by ClinVar (database versions not stated): gnomAD exomes below 0.00001; TOPMed below 0.00001.
gnomAD v4.1: 3 of 1,614,138 alleles (0.00019%); highest among the groups gnomAD compares: African/African-American, 0.0027%; no homozygotes.

Submissions (2):

Women's Health and Genetics/Laboratory Corporation of America, LabCorp
Classification: Uncertain significance. Last evaluated: 2025-11-11. Review status: criteria provided, single submitter. Criteria: LabCorp Variant Classification Summary - May 2015. Collection method: clinical testing. Allele origin: germline.
Comment: Variant summary: DCTN1 c.2185-3C>T alters a nucleotide located close to a canonical splice site and therefore could affect mRNA splicing, leading to a significantly altered protein sequence. Consensus agreement among computation tools predict no significant impact on normal splicing. However, these predictions have yet to be confirmed by functional studies. The variant was absent in 251324 control chromosomes. The available data on variant occurrences in the general population are insufficient to allow any conclusion about variant significance. To our knowledge, no occurrence of c.2185-3C>T in individuals affected with DCTN1-related conditions and no experimental evidence demonstrating its impact on protein function have been reported. ClinVar contains an entry for this variant (Variation ID: 1985274). Based on the evidence outlined above, the variant was classified as uncertain significance.

Labcorp Genetics (formerly Invitae), Labcorp
Classification: Uncertain significance for Amyotrophic lateral sclerosis type 1; Neuronopathy, distal hereditary motor, type 7B; Perry syndrome. Last evaluated: 2025-03-22. Review status: criteria provided, single submitter. Criteria: Invitae Variant Classification Sherloc (09022015). Collection method: clinical testing. Allele origin: germline.
Comment: This sequence change falls in intron 18 of the DCTN1 gene. It does not directly change the encoded amino acid sequence of the DCTN1 protein. It affects a nucleotide within the consensus splice site. This variant is not present in population databases (gnomAD no frequency). This variant has not been reported in the literature in individuals affected with DCTN1-related conditions. ClinVar contains an entry for this variant (Variation ID: 1985274). Variants that disrupt the consensus splice site are a relatively common cause of aberrant splicing (PMID: 17576681, 9536098). Algorithms developed to predict the effect of sequence changes on RNA splicing suggest that this variant is not likely to affect RNA splicing. In summary, the available evidence is currently insufficient to determine the role of this variant in disease. Therefore, it has been classified as a Variant of Uncertain Significance.

Literature cited by the submitters: PubMed 17576681 (cited by Labcorp Genetics (formerly Invitae), Labcorp); PubMed 9536098 (cited by Labcorp Genetics (formerly Invitae), Labcorp).